The following is an entry in ClinVar:

ClinVar aggregate classification (germline): Uncertain significance (1 of 4 stars; one submission).

Conditions:
Epileptic encephalopathy. Identifiers: MedGen C0543888, HP:0200134.

Allele frequency attached by ClinVar (database versions not stated): TOPMed 0.00004; gnomAD 0.00002.
gnomAD v4.1: 10 of 1,614,028 alleles (0.00062%); highest among the groups gnomAD compares: Admixed American, 0.0083%; no homozygotes.

Submission:

Labcorp Genetics (formerly Invitae), Labcorp
Classification: Uncertain significance for Epileptic encephalopathy. Last evaluated: 2020-06-20. Review status: criteria provided, single submitter. Criteria: Invitae Variant Classification Sherloc (09022015). Collection method: clinical testing. Allele origin: germline.
Comment: This sequence change replaces aspartic acid with asparagine at codon 4702 of the RYR3 protein (p.Asp4702Asn). The aspartic acid residue is moderately conserved and there is a small physicochemical difference between aspartic acid and asparagine. This variant is not present in population databases (ExAC no frequency). This variant has been reported in an individual affected with infantile spasms (PMID: 25262651). Algorithms developed to predict the effect of missense changes on protein structure and function do not agree on the potential impact of this missense change (SIFT: "Deleterious"; PolyPhen-2: "Benign"; Align-GVGD: "Class C0"). In summary, the available evidence is currently insufficient to determine the role of this variant in disease. Therefore, it has been classified as a Variant of Uncertain Significance.

Literature cited by the submitters: PubMed 25262651.

NM_001036.6(RYR3):c.14104G>A (p.Asp4702Asn)

Genes: AVEN (apoptosis and caspase activation inhibitor; minus strand), RYR3 (ryanodine receptor 3; plus strand). Cytogenetic location: 15q14.
Variant type: single nucleotide variant.
Coding change: c.14104G>A on transcript NM_001036.6 (MANE Select); coding-DNA position 14104, G replaced by A.
Protein change: p.Asp4702Asn; replaces aspartic acid 4702 with asparagine.
Molecular consequence: missense variant.
Genome position (GRCh38, 1-based): chr15:33,857,876, G>A. VCF-style: chr15-33857876-G-A. GRCh37 (hg19) VCF-style: chr15-34150077-G-A.
Other names: c.14089G>A, p.Asp4697Asn (NM_001243996.4); short protein forms D4702N, D4697N.
Identifiers: ClinVar variation 531051 (VCV000531051.11), dbSNP rs909959183, ClinGen allele CA268557983.
Genomic context (GRCh38, chr15:33,857,876, plus strand): 5'-TATCTCTATACTGTGGTGGCTTTCAACTTCTTCCGCAAGTTCTACAACAAAAGCGAAGAC[G>A]ATGACGAGCCCGATATGAAGTGCGACGACATGATGACGGTGAGAGCCCACCCACTGCGGG-3'
Protein context (NP_001027.3, residues 4692-4712): FRKFYNKSED[Asp4702Asn]DEPDMKCDDM